The following is an entry in ClinVar:

NM_001048174.2(MUTYH):c.974T>A (p.Leu325Gln)

Gene: MUTYH (mutY DNA glycosylase; minus strand). Cytogenetic location: 1p34.1.
Variant type: single nucleotide variant.
Coding change: c.974T>A on transcript NM_001048174.2 (MANE Select); coding-DNA position 974, T replaced by A.
Protein change: p.Leu325Gln; replaces leucine 325 with glutamine.
Molecular consequence: missense variant. On other transcripts: non-coding transcript variant (7).
Genome position (GRCh38, 1-based): chr1:45,331,789, A>T on the plus strand (T>A on the coding strand, the complement: MUTYH is on the minus strand). VCF-style: chr1-45331789-A-T. GRCh37 (hg19) VCF-style: chr1-45797461-A-T.
Other names: c.974T>A, p.Leu325Gln (NM_001293195.2, NM_001407070.1, NM_001407072.1 and 6 more transcripts); c.698T>A, p.Leu233Gln (NM_001293196.2, NM_001407091.1, NM_001293192.2); c.629T>A, p.Leu210Gln (NM_001350650.2, NM_001350651.2, NM_001407082.1); c.1007T>A, p.Leu336Gln (NM_001407069.1, NM_001293191.2, NM_001407077.1); c.977T>A, p.Leu326Gln (NM_001407071.1, NM_001048172.2, NM_001407078.1 and 1 more transcripts); c.995T>A, p.Leu332Gln (NM_001407087.1); c.1049T>A, p.Leu350Gln (NM_012222.3); c.1058T>A, p.Leu353Gln (NM_001128425.2); and 5 more; short protein forms L210Q, L326Q, L336Q, L339Q, L297Q, L340Q, L233Q, L332Q.
Identifiers: ClinVar variation 4112973 (VCV004112973.1).

ClinVar aggregate classification (germline): Uncertain significance (1 of 4 stars; one submission).

Conditions:
Hereditary cancer-predisposing syndrome. Also called: Tumor predisposition; Neoplastic Syndromes, Hereditary; Hereditary neoplastic syndrome; Hereditary Cancer Syndrome. Identifiers: Orphanet 140162, MedGen C0027672, MeSH D009386, MONDO:0015356.

Submission:

Ambry Genetics
Classification: Uncertain significance for Hereditary cancer-predisposing syndrome. Last evaluated: 2025-08-27. Review status: criteria provided, single submitter. Criteria: Ambry Variant Classification Scheme 2023. Collection method: clinical testing. Allele origin: germline.
Comment: The p.L353Q variant (also known as c.1058T>A), located in coding exon 12 of the MUTYH gene, results from a T to A substitution at nucleotide position 1058. The leucine at codon 353 is replaced by glutamine, an amino acid with dissimilar properties. This amino acid position is conserved. In addition, the in silico prediction for this alteration is inconclusive. Based on the available evidence, the clinical significance of this variant remains unclear.